The following is an entry in ClinVar:

NM_000071.3(CBS):c.954+4G>A

Gene: CBS (cystathionine beta-synthase; minus strand). Cytogenetic location: 21q22.3.
Variant type: single nucleotide variant.
Coding change: c.954+4G>A on transcript NM_000071.3 (MANE Select); 4 bases into the intron after coding-DNA position 954, G replaced by A.
Molecular consequence: intron variant.
Genome position (GRCh38, 1-based): chr21:43,062,949, C>T on the plus strand (G>A on the coding strand, the complement: CBS is on the minus strand). VCF-style: chr21-43062949-C-T. GRCh37 (hg19) VCF-style: chr21-44483059-C-T.
Other names: c.954+4G>A (NM_001320298.2, NM_001178009.3, NM_001178008.3); c.639+4G>A (NM_001321072.1).
Identifiers: ClinVar variation 391512 (VCV000391512.2), dbSNP rs770671402, ClinGen allele CA16609063.

ClinVar aggregate classification (germline): Conflicting classifications of pathogenicity. Review status: criteria provided, conflicting classifications (1 of 4 stars). 2 submissions from 2 submitters: Uncertain significance (1); Likely benign (1). Last evaluated 2024-02-28.

Conditions:
Familial thoracic aortic aneurysm and aortic dissection (TAAD). Also called: Thoracic aortic aneurysms and dissections. Identifiers: Orphanet 91387, MedGen C4707243, MONDO:0019625.

Allele frequency attached by ClinVar (database versions not stated): ExAC 0.00001; gnomAD exomes 0.00001.

Submissions (2):

Ambry Genetics
Classification: Uncertain significance for Familial thoracic aortic aneurysm and aortic dissection. Last evaluated: 2024-02-28. Review status: criteria provided, single submitter. Criteria: Ambry Variant Classification Scheme 2023. Collection method: clinical testing. Allele origin: germline.
Comment: The c.954+4G>A intronic variant results from a G to A substitution 4 nucleotides after coding exon 8 in the CBS gene. This nucleotide position is not well conserved in available vertebrate species. In silico splice site analysis predicts that this alteration will not have any significant effect on splicing. Based on the available evidence, the clinical significance of this alteration remains unclear.

GeneDx
Classification: Likely benign. Last evaluated: 2016-12-09. Review status: criteria provided, single submitter. Criteria: GeneDx Variant Classification (06012015). Collection method: clinical testing. Allele origin: germline. Affected: yes.
Comment: This variant is considered likely benign or benign based on one or more of the following criteria: it is a conservative change, it occurs at a poorly conserved position in the protein, it is predicted to be benign by multiple in silico algorithms, and/or has population frequency not consistent with disease.